The following is an entry in ClinVar:

NM_001571.6(IRF3):c.345G>C (p.Gly115=)

Gene: IRF3 (interferon regulatory factor 3; minus strand). Cytogenetic location: 19q13.33.
Variant type: single nucleotide variant.
Coding change: c.345G>C on transcript NM_001571.6 (MANE Select); coding-DNA position 345, G replaced by C.
Protein change: p.Gly115=; no amino-acid change (glycine 115 retained).
Molecular consequence: synonymous variant. On other transcripts: 5 prime UTR variant (4), non-coding transcript variant (1).
Genome position (GRCh38, 1-based): chr19:49,663,251, C>G on the plus strand (G>C on the coding strand, the complement: IRF3 is on the minus strand). VCF-style: chr19-49663251-C-G. GRCh37 (hg19) VCF-style: chr19-50166508-C-G.
Other names: c.345G>C, p.Gly115= (NM_001197122.2, NM_001197124.2); c.240G>C, p.Gly80= (NM_001197123.2); c.-94G>C (NM_001197125.2, NM_001197126.2, NM_001197127.2 and 1 more transcripts).
Identifiers: ClinVar variation 2650282 (VCV002650282.24), dbSNP rs745647482, ClinGen allele CA9580457.

ClinVar aggregate classification (germline): Uncertain significance (1 of 4 stars; one submission).

Allele frequency attached by ClinVar (database versions not stated): TOPMed below 0.00001; ExAC 0.00001; gnomAD exomes 0.00001.
gnomAD v4.1: 13 of 1,614,086 alleles (0.00081%); highest among the groups gnomAD compares: Non-Finnish European, 0.0011%; no homozygotes.

Submission:

CeGaT Center for Human Genetics Tuebingen
Classification: Uncertain significance. Last evaluated: 2022-08-01. Review status: criteria provided, single submitter. Criteria: CeGaT Center For Human Genetics Tuebingen Variant Classification Criteria Version 2. Collection method: clinical testing. Allele origin: germline. Affected: yes. Observed: 1 variant allele.
Comment: IRF3: PM1, PP3